The following is an entry in ClinVar:

ClinVar aggregate classification (germline): Conflicting classifications of pathogenicity. Review status: criteria provided, conflicting classifications (1 of 4 stars). 16 submissions from 15 submitters: Uncertain significance (9); Benign (1); Likely benign (3). 3 of the submissions do not count toward it. Last evaluated 2026-01-06.

Conditions:
Hereditary cancer-predisposing syndrome. Also called: Tumor predisposition; Neoplastic Syndromes, Hereditary; Hereditary Cancer Syndrome; Hereditary neoplastic syndrome. Identifiers: Orphanet 140162, MedGen C0027672, MeSH D009386, MONDO:0015356.
Cardiovascular phenotype. Identifiers: MedGen CN230736.
Neurofibromatosis, familial spinal (FSNF). Identifiers: Orphanet 636, MedGen C1834235, MONDO:0008078, OMIM 162210. Disease mechanism: loss of function.
Juvenile myelomonocytic leukemia (JMML). Also called: LEUKEMIA, JUVENILE MYELOMONOCYTIC, SOMATIC. Identifiers: Orphanet 86834, MedGen C0349639, MONDO:0011908, OMIM 607785, HP:0012209.
Neurofibromatosis-Noonan syndrome (NFNS). Also called: NEUROFIBROMATOSIS WITH NOONAN PHENOTYPE. Identifiers: Orphanet 638, MedGen C2931482, MONDO:0011035, OMIM 601321. Disease mechanism: loss of function.
Café-au-lait macules with pulmonary stenosis (WTSN). Also called: PULMONIC STENOSIS WITH CAFE-AU-LAIT SPOTS. Identifiers: MedGen C0553586, MONDO:0008672, OMIM 193520.
Neurofibromatosis, type 1 (NF1). Also called: NEUROFIBROMATOSIS, TYPE I, SOMATIC; VON RECKLINGHAUSEN DISEASE; Peripheral type neurofibromatosis; Neurofibromatosis, type I. Identifiers: Orphanet 636, MedGen C0027831, MONDO:0018975, OMIM 162200. Disease mechanism: loss of function.

Allele frequency attached by ClinVar (database versions not stated): ExAC 0.00002; TOPMed 0.00002; gnomAD 0.00003; gnomAD exomes 0.00003 and 0.00004.

Submissions (16):

Labcorp Genetics (formerly Invitae), Labcorp
Classification: Benign for Neurofibromatosis, type 1. Last evaluated: 2026-01-06. Review status: criteria provided, single submitter. Criteria: Invitae Variant Classification Sherloc (09022015). Collection method: clinical testing. Allele origin: germline.

Quest Diagnostics Nichols Institute San Juan Capistrano
Classification: Uncertain significance. Last evaluated: 2025-09-15. Review status: criteria provided, single submitter. Criteria: Quest Diagnostics criteria. Collection method: clinical testing. Allele origin: unknown.

GeneDx
Classification: Uncertain significance. Last evaluated: 2023-05-09. Review status: criteria provided, single submitter. Criteria: GeneDx Variant Classification Process June 2021. Collection method: clinical testing. Allele origin: germline. Affected: yes.
Comment: Reported previously as a variant of uncertain significance in a patient with a personal or family history of breast and/or ovarian cancer in published literature; however, clinical and segregation information was not provided (Tsaousis et al., 2019); In silico analysis supports that this missense variant does not alter protein structure/function; This variant is associated with the following publications: (PMID: 23656349, 22703879, 29290338, 31159747, 30308447, 25486365, 2121369)

CeGaT Center for Human Genetics Tuebingen
Classification: Likely benign. Last evaluated: 2023-03-01. Review status: criteria provided, single submitter. Criteria: CeGaT Center For Human Genetics Tuebingen Variant Classification Criteria Version 2. Collection method: clinical testing. Allele origin: germline. Affected: yes. Observed: 1 variant allele.
Comment: NF1: BP4

Blueprint Genetics
Classification: Likely benign. Last evaluated: 2022-10-13. Review status: criteria provided, single submitter. Criteria: ACMG Guidelines, 2015. Collection method: clinical testing. Allele origin: germline.

MGZ Medical Genetics Center
Classification: Uncertain significance for Neurofibromatosis, type 1. Last evaluated: 2022-05-13. Review status: criteria provided, single submitter. Criteria: ACMG Guidelines, 2015. Collection method: clinical testing. Allele origin: germline. Affected: yes. Observed: 1 variant allele.
Comment: ACMG criteria applied: PS4_SUP, PM2_SUP, BP4

Genome-Nilou Lab
Classification: Uncertain significance for Neurofibromatosis, type 1. Last evaluated: 2022-03-15. Review status: criteria provided, single submitter. Criteria: ACMG Guidelines, 2015. Collection method: clinical testing. Allele origin: germline. Affected: no.

Ambry Genetics
Classification: Likely benign for Cardiovascular phenotype; Hereditary cancer-predisposing syndrome. Last evaluated: 2022-02-28. Review status: criteria provided, single submitter. Criteria: Ambry Variant Classification Scheme 2023. Collection method: clinical testing. Allele origin: germline.

Fulgent Genetics
Classification: Uncertain significance for Neurofibromatosis, type 1; Neurofibromatosis, familial spinal; Café-au-lait macules with pulmonary stenosis; Neurofibromatosis-Noonan syndrome; Juvenile myelomonocytic leukemia. Last evaluated: 2018-10-31. Review status: criteria provided, single submitter. Criteria: ACMG Guidelines, 2015. Collection method: clinical testing. Allele origin: unknown.

GeneKor MSA
Classification: Uncertain significance for Hereditary cancer-predisposing syndrome. Last evaluated: 2018-08-01. Review status: criteria provided, single submitter. Criteria: ACMG Guidelines, 2015. Collection method: clinical testing. Allele origin: germline. Affected: yes.

PreventionGenetics, part of Exact Sciences
Classification: Uncertain significance. Last evaluated: 2017-09-08. Review status: criteria provided, single submitter. Criteria: ACMG Guidelines, 2015. Collection method: clinical testing. Allele origin: germline.

Center for Pediatric Genomic Medicine, Children's Mercy Hospital and Clinics
Classification: Uncertain significance. Last evaluated: 2017-02-08. Review status: criteria provided, single submitter. Criteria: ACMG Guidelines, 2015. Collection method: clinical testing. Allele origin: germline.
ClinVar note: Converted during submission from Uncertain Significance to Uncertain significance.

Ambry Genetics
Classification: Uncertain significance for Hereditary cancer-predisposing syndrome. Last evaluated: 2015-09-08. Review status: criteria provided, single submitter. Criteria: Ambry Autosomal Dominant and X-Linked criteria (10/2015). Collection method: clinical testing. Allele origin: germline. Observed: 1 variant allele.
Comment: Thep.T862Svariant (also known as c.2585C>G), located in coding exon 21 of theNF1gene, results from a C to G substitution at nucleotide position 2585. The threonine at codon 862 is replaced by serine, an amino acid with similar properties. This variant was previously reported in the SNPDatabase as rs200302954, but was absent from population-based cohorts in the NHLBI Exome Sequencing Project (ESP) and 1000 Genomes Project databases.To date, this alteration has been detected with an allele frequency of approximately 0.01% (greater than 110000 alleles tested) in our clinical cohort.This amino acid position is highly conserved in available vertebrate species. In addition, this alteration is predicted to be tolerated by in silico analysis. Since supporting evidence is limited at this time, the clinical significance ofp.T862Sremains unclear.

Biesecker Lab/Clinical Genomics Section, National Institutes of Health
Classification: Uncertain significance. Last evaluated: 2012-07-13. Review status: no assertion criteria provided. Collection method: research. Allele origin: germline. Affected: no. Observed: 1 variant allele. Study: ClinSeq. Not counted in ClinVar's aggregate classification.
ClinVar note: Converted during submission from variant of unknown significance to Uncertain significance.

Clinical Genetics DNA and cytogenetics Diagnostics Lab, Erasmus MC, Erasmus Medical Center
Classification: Uncertain significance. Review status: no assertion criteria provided. Collection method: clinical testing. Allele origin: germline. Affected: yes. Study: VKGL Data-share Consensus. Not counted in ClinVar's aggregate classification.

Diagnostic Laboratory, Department of Genetics, University Medical Center Groningen
Classification: Uncertain significance. Review status: no assertion criteria provided. Collection method: clinical testing. Allele origin: germline. Affected: yes. Study: VKGL Data-share Consensus. Not counted in ClinVar's aggregate classification.

Literature cited by the submitters: PubMed 23656349 (cited by Ambry Genetics).

NM_001042492.3(NF1):c.2585C>G (p.Thr862Ser)

Gene: NF1 (neurofibromin 1; plus strand). Cytogenetic location: 17q11.2.
Variant type: single nucleotide variant.
Coding change: c.2585C>G on transcript NM_001042492.3 (MANE Select); coding-DNA position 2585, C replaced by G.
Protein change: p.Thr862Ser; replaces threonine 862 with serine.
Molecular consequence: missense variant.
Genome position (GRCh38, 1-based): chr17:31,229,200, C>G. VCF-style: chr17-31229200-C-G. GRCh37 (hg19) VCF-style: chr17-29556218-C-G.
Other names: c.2585C>G, p.Thr862Ser (NM_000267.4); short protein forms T862S.
Identifiers: ClinVar variation 41670 (VCV000041670.54), dbSNP rs200302954, ClinGen allele CA215735.